The following is an entry in ClinVar:

NM_017780.4(CHD7):c.5944G>T (p.Gly1982Trp)

Gene: CHD7 (chromodomain helicase DNA binding protein 7; plus strand). Cytogenetic location: 8q12.2.
Variant type: single nucleotide variant.
Coding change: c.5944G>T on transcript NM_017780.4 (MANE Select); coding-DNA position 5944, G replaced by T.
Protein change: p.Gly1982Trp; replaces glycine 1982 with tryptophan.
Molecular consequence: missense variant. On other transcripts: intron variant (1).
Genome position (GRCh38, 1-based): chr8:60,852,547, G>T. VCF-style: chr8-60852547-G-T. GRCh37 (hg19) VCF-style: chr8-61765106-G-T.
Other names: c.1717-9682G>T (NM_001316690.1); short protein forms G1982W.
Identifiers: ClinVar variation 626914 (VCV000626914.3), dbSNP rs1563659678, ClinGen allele CA371323763.

ClinVar aggregate classification (germline): Likely pathogenic (1 of 4 stars; one submission).

Conditions:
CHARGE syndrome (CHARGE). Also called: Coloboma, heart anomaly, choanal atresia, retardation, genital and ear anomalies; CHARGE association; Hall-Hittner syndrome; Hittner Hirsch Kreh syndrome; CHARGE ASSOCIATION--COLOBOMA, HEART ANOMALY, CHOANAL ATRESIA, RETARDATION, GENITAL AND EAR ANOMALIES. Identifiers: Orphanet 138, MedGen C0265354, MONDO:0008965.

Submission:

Laboratoire de Genetique Biologique, CHU de Poitiers
Classification: Likely pathogenic for CHD7-related CHARGE syndrome. Last evaluated: 2019-04-30. Review status: criteria provided, single submitter. Criteria: ACMG Guidelines, 2015. Collection method: clinical testing. Allele origin: unknown. Inheritance: Autosomal dominant inheritance. Affected: yes. Observed: 1 compound heterozygote.
Comment: Variation found on each affected patients.

Literature cited by the submitters: PubMed 29178447.